The following is an entry in ClinVar:

NM_002677.5(PMP2):c.242C>A (p.Thr81Asn)

Gene: PMP2 (peripheral myelin protein 2; minus strand). Cytogenetic location: 8q21.13.
Variant type: single nucleotide variant.
Coding change: c.242C>A on transcript NM_002677.5 (MANE Select); coding-DNA position 242, C replaced by A.
Protein change: p.Thr81Asn; replaces threonine 81 with asparagine.
Molecular consequence: missense variant. On other transcripts: intron variant (1).
Genome position (GRCh38, 1-based): chr8:81,444,821, G>T on the plus strand (C>A on the coding strand, the complement: PMP2 is on the minus strand). VCF-style: chr8-81444821-G-T. GRCh37 (hg19) VCF-style: chr8-82357056-G-T.
Other names: c.74-220C>A (NM_001348381.2); short protein forms T81N.
Identifiers: ClinVar variation 4809765 (VCV004809765.1).
Genomic context (GRCh38, chr8:81,444,821, plus strand): 5'-TCCTCTCTCTCAAGCAGCCCACTGGGCCAACTTTGAAGAGAAACATTAAAGATTACCTTG[G>T]TCTTTCTATTGTCAGCTGTGGTTTCTTCAAATTCCTGGCCTAGCTTGAAGGAGATTTCTG-3'
Protein context (NP_002668.1, residues 71-91): FEETTADNRK[Thr81Asn]KSIVTLQRGS

ClinVar aggregate classification (germline): Uncertain significance (1 of 4 stars; one submission).

gnomAD v4.1: 3 of 1,612,676 alleles (0.00019%); highest among the groups gnomAD compares: African/African-American, 0.0027%; no homozygotes.

Submission:

Labcorp Genetics (formerly Invitae), Labcorp
Classification: Uncertain significance. Last evaluated: 2025-09-16. Review status: criteria provided, single submitter. Criteria: Invitae Variant Classification Sherloc (09022015). Collection method: clinical testing. Allele origin: germline.
Comment: This sequence change replaces threonine, which is neutral and polar, with asparagine, which is neutral and polar, at codon 81 of the PMP2 protein (p.Thr81Asn). This variant is not present in population databases (gnomAD no frequency). This variant has not been reported in the literature in individuals affected with PMP2-related conditions. An algorithm developed to predict the effect of missense changes on protein structure and function (PolyPhen-2) suggests that this variant is likely to be tolerated. In summary, the available evidence is currently insufficient to determine the role of this variant in disease. Therefore, it has been classified as a Variant of Uncertain Significance.